The following is an entry in ClinVar:

NM_025103.4(IFT74):c.1577A>G (p.Tyr526Cys)

Gene: IFT74 (intraflagellar transport 74; plus strand). Cytogenetic location: 9p21.2.
Variant type: single nucleotide variant.
Coding change: c.1577A>G on transcript NM_025103.4 (MANE Select); coding-DNA position 1577, A replaced by G.
Protein change: p.Tyr526Cys; replaces tyrosine 526 with cysteine.
Molecular consequence: missense variant.
Genome position (GRCh38, 1-based): chr9:27,056,413, A>G. VCF-style: chr9-27056413-A-G. GRCh37 (hg19) VCF-style: chr9-27056411-A-G.
Other names: c.1577A>G, p.Tyr526Cys (NM_001099222.3, NM_001099223.3, NM_001349928.2); c.1577A>G (NM_001099222.1); short protein forms Y526C.
Identifiers: ClinVar variation 1462023 (VCV001462023.6), dbSNP rs373796986, ClinGen allele CA5015704.

ClinVar aggregate classification (germline): Uncertain significance. Review status: criteria provided, multiple submitters, no conflicts (2 of 4 stars). 2 submissions from 2 submitters: Uncertain significance (2). Last evaluated 2025-03-25.

Allele frequency attached by ClinVar (database versions not stated): TOPMed 0.00004; ESP Exome Variant Server 0.00008; gnomAD 0.00001; ExAC 0.00002; gnomAD exomes 0.00002.
gnomAD v4.1: 36 of 1,602,462 alleles (0.0022%); highest among the groups gnomAD compares: Non-Finnish European, 0.0029%; no homozygotes.

Submissions (2):

GeneDx
Classification: Uncertain significance. Last evaluated: 2025-03-25. Review status: criteria provided, single submitter. Criteria: GeneDx Variant Classification Process June 2021. Collection method: clinical testing. Allele origin: germline. Affected: yes.
Comment: In silico analysis supports that this missense variant has a deleterious effect on protein structure/function; Has not been previously published as pathogenic or benign to our knowledge

Labcorp Genetics (formerly Invitae), Labcorp
Classification: Uncertain significance. Last evaluated: 2021-08-24. Review status: criteria provided, single submitter. Criteria: Invitae Variant Classification Sherloc (09022015). Collection method: clinical testing. Allele origin: germline.
Comment: This sequence change replaces tyrosine with cysteine at codon 526 of the IFT74 protein (p.Tyr526Cys). The tyrosine residue is moderately conserved and there is a large physicochemical difference between tyrosine and cysteine. This variant is present in population databases (rs373796986, ExAC 0.003%). This variant has not been reported in the literature in individuals affected with IFT74-related conditions. Algorithms developed to predict the effect of missense changes on protein structure and function output the following: SIFT: "Deleterious"; PolyPhen-2: "Benign"; Align-GVGD: "Class C0". The cysteine amino acid residue is found in multiple mammalian species, which suggests that this missense change does not adversely affect protein function. Algorithms developed to predict the effect of sequence changes on RNA splicing suggest that this variant may create or strengthen a splice site. In summary, the available evidence is currently insufficient to determine the role of this variant in disease. Therefore, it has been classified as a Variant of Uncertain Significance.